The following is an entry in ClinVar:

NM_001922.5(DCT):c.977G>A (p.Arg326Gln)

Gene: DCT (dopachrome tautomerase; minus strand). Cytogenetic location: 13q32.1.
Variant type: single nucleotide variant.
Coding change: c.977G>A on transcript NM_001922.5 (MANE Select); coding-DNA position 977, G replaced by A.
Protein change: p.Arg326Gln; replaces arginine 326 with glutamine.
Molecular consequence: missense variant.
Genome position (GRCh38, 1-based): chr13:94,462,076, C>T on the plus strand (G>A on the coding strand, the complement: DCT is on the minus strand). VCF-style: chr13-94462076-C-T. GRCh37 (hg19) VCF-style: chr13-95114330-C-T.
Other names: c.977G>A, p.Arg326Gln (NM_001129889.3); c.44G>A, p.Arg15Gln (NM_001322182.2, NM_001322183.2, NM_001322184.2 and 1 more transcripts); c.788G>A, p.Arg263Gln (NM_001322186.2); short protein forms R326Q, R15Q, R263Q.
Identifiers: ClinVar variation 4978685 (VCV004978685.1).

ClinVar aggregate classification (germline): Likely benign (1 of 4 stars; one submission).

Conditions:
DCT-related disorder. Also called: DCT-related condition.

gnomAD v4.1: 227 of 1,612,926 alleles (0.014%); highest among the groups gnomAD compares: African/African-American, 0.22%; 2 homozygotes.

Submission:

PreventionGenetics, part of Exact Sciences
Classification: Likely benign for DCT-related condition. Last evaluated: 2025-07-01. Review status: criteria provided, single submitter. Criteria: ACMG Guidelines, 2015. Collection method: clinical testing. Allele origin: germline.
Comment: This variant is classified as likely benign based on ACMG/AMP sequence variant interpretation guidelines (Richards et al. 2015 PMID: 25741868, with internal and published modifications).